The following is an entry in ClinVar:

ClinVar aggregate classification (germline): Uncertain significance. Review status: criteria provided, multiple submitters, no conflicts (2 of 4 stars). 2 submissions from 2 submitters: Uncertain significance (2). Last evaluated 2025-10-09.

Allele frequency attached by ClinVar (database versions not stated): gnomAD 0.00001; gnomAD exomes 0.00003 and 0.00016; TOPMed 0.00006; ExAC 0.00016.
gnomAD v4.1: 47 of 1,612,148 alleles (0.0029%); highest among the groups gnomAD compares: Admixed American, 0.075%; no homozygotes.

Submissions (2):

Labcorp Genetics (formerly Invitae), Labcorp
Classification: Uncertain significance. Last evaluated: 2025-10-09. Review status: criteria provided, single submitter. Criteria: Invitae Variant Classification Sherloc (09022015). Collection method: clinical testing. Allele origin: germline.
Comment: This sequence change replaces leucine, which is neutral and non-polar, with proline, which is neutral and non-polar, at codon 121 of the TSPEAR protein (p.Leu121Pro). This variant is present in population databases (rs782715737, gnomAD 0.1%). This variant has not been reported in the literature in individuals affected with TSPEAR-related conditions. ClinVar contains an entry for this variant (Variation ID: 1474934). Invitae Evidence Modeling of protein sequence and biophysical properties (such as structural, functional, and spatial information, amino acid conservation, physicochemical variation, residue mobility, and thermodynamic stability) has been performed for this missense variant. However, the output from this modeling did not meet the statistical confidence thresholds required to predict the impact of this variant on TSPEAR protein function. In summary, the available evidence is currently insufficient to determine the role of this variant in disease. Therefore, it has been classified as a Variant of Uncertain Significance.

GeneDx
Classification: Uncertain significance. Last evaluated: 2025-10-01. Review status: criteria provided, single submitter. Criteria: GeneDx Variant Classification Process June 2021. Collection method: clinical testing. Allele origin: germline. Affected: yes.
Comment: In silico analysis supports that this missense variant has a deleterious effect on protein structure/function; Has not been previously published as pathogenic or benign to our knowledge

NM_144991.3(TSPEAR):c.362T>C (p.Leu121Pro)

Gene: TSPEAR (thrombospondin type laminin G domain and EAR repeats; minus strand). Cytogenetic location: 21q22.3.
Variant type: single nucleotide variant.
Coding change: c.362T>C on transcript NM_144991.3 (MANE Select); coding-DNA position 362, T replaced by C.
Protein change: p.Leu121Pro; replaces leucine 121 with proline.
Molecular consequence: missense variant.
Genome position (GRCh38, 1-based): chr21:44,533,865, A>G on the plus strand (T>C on the coding strand, the complement: TSPEAR is on the minus strand). VCF-style: chr21-44533865-A-G. GRCh37 (hg19) VCF-style: chr21-45953748-A-G.
Other names: c.158T>C, p.Leu53Pro (NM_001272037.2); c.362T>C (NM_144991.2); short protein forms L53P, L121P.
Identifiers: ClinVar variation 1474934 (VCV001474934.7), dbSNP rs782715737, ClinGen allele CA10057043.